The following is an entry in ClinVar:

ClinVar aggregate classification (germline): Pathogenic (1 of 4 stars; one submission).

Allele frequency attached by ClinVar (database versions not stated): gnomAD exomes below 0.00001.
gnomAD v4.1: 1 of 1,614,230 alleles (0.000062%); highest among the groups gnomAD compares: Non-Finnish European, 0.000085%; no homozygotes.

Submission:

Labcorp Genetics (formerly Invitae), Labcorp
Classification: Pathogenic. Last evaluated: 2022-05-27. Review status: criteria provided, single submitter. Criteria: Invitae Variant Classification Sherloc (09022015). Collection method: clinical testing. Allele origin: germline.
Comment: For these reasons, this variant has been classified as Pathogenic. ClinVar contains an entry for this variant (Variation ID: 571595). This variant has not been reported in the literature in individuals affected with POLE-related conditions. This variant is not present in population databases (gnomAD no frequency). This sequence change creates a premature translational stop signal (p.Trp40*) in the POLE gene. It is expected to result in an absent or disrupted protein product. Loss-of-function variants in POLE are known to be pathogenic (PMID: 23230001, 25948378, 30503519).

Literature cited by the submitters: PubMed 23230001; PubMed 25948378; PubMed 30503519.

NM_006231.4(POLE):c.119G>A (p.Trp40Ter)

Gene: POLE (DNA polymerase epsilon, catalytic subunit; minus strand). Cytogenetic location: 12q24.33.
Variant type: single nucleotide variant.
Coding change: c.119G>A on transcript NM_006231.4 (MANE Select); coding-DNA position 119, G replaced by A.
Protein change: p.Trp40Ter; replaces tryptophan 40 with a stop codon.
Molecular consequence: nonsense.
Genome position (GRCh38, 1-based): chr12:132,681,223, C>T on the plus strand (G>A on the coding strand, the complement: POLE is on the minus strand). VCF-style: chr12-132681223-C-T. GRCh37 (hg19) VCF-style: chr12-133257809-C-T.
Other names: short protein forms W40*.
Identifiers: ClinVar variation 571595 (VCV000571595.6), dbSNP rs1565981653, ClinGen allele CA387370275.